The following is an entry in ClinVar:

ClinVar aggregate classification (germline): Conflicting classifications of pathogenicity. Review status: criteria provided, conflicting classifications (1 of 4 stars). 2 submissions from 2 submitters: Uncertain significance (1); Likely benign (1). Last evaluated 2024-03-05.

Conditions:
Dilated cardiomyopathy 1O (CMD1O). Also called: CARDIOMYOPATHY, DILATED, WITH VENTRICULAR TACHYCARDIA. Identifiers: Orphanet 154, MedGen C1837839, MONDO:0012062, OMIM 608569.
Cardiovascular phenotype. Identifiers: MedGen CN230736.

gnomAD v4.1: 4 of 1,613,902 alleles (0.00025%); highest among the groups gnomAD compares: Non-Finnish European, 0.00034%; no homozygotes.

Submissions (2):

Ambry Genetics
Classification: Likely benign for Cardiovascular phenotype. Last evaluated: 2024-03-05. Review status: criteria provided, single submitter. Criteria: Ambry Variant Classification Scheme 2023. Collection method: clinical testing. Allele origin: germline.

Labcorp Genetics (formerly Invitae), Labcorp
Classification: Uncertain significance for Dilated cardiomyopathy 1O. Last evaluated: 2023-06-23. Review status: criteria provided, single submitter. Criteria: Invitae Variant Classification Sherloc (09022015). Collection method: clinical testing. Allele origin: germline.
Comment: This sequence change replaces aspartic acid, which is acidic and polar, with glutamic acid, which is acidic and polar, at codon 1367 of the ABCC9 protein (p.Asp1367Glu). This variant is not present in population databases (gnomAD no frequency). This variant has not been reported in the literature in individuals affected with ABCC9-related conditions. An algorithm developed to predict the effect of missense changes on protein structure and function (PolyPhen-2) suggests that this variant is likely to be tolerated. In summary, the available evidence is currently insufficient to determine the role of this variant in disease. Therefore, it has been classified as a Variant of Uncertain Significance.

NM_020297.4(ABCC9):c.4101T>A (p.Asp1367Glu)

Genes: ABCC9 (ATP binding cassette subfamily C member 9; minus strand), KCNJ8-AS1 (KCNJ8 antisense RNA 1; plus strand). Cytogenetic location: 12p12.1.
Variant type: single nucleotide variant.
Coding change: c.4101T>A on transcript NM_020297.4 (MANE Select); coding-DNA position 4101, T replaced by A.
Protein change: p.Asp1367Glu; replaces aspartic acid 1367 with glutamic acid.
Molecular consequence: missense variant.
Genome position (GRCh38, 1-based): chr12:21,814,645, A>T on the plus strand (T>A on the coding strand, the complement: ABCC9 is on the minus strand). VCF-style: chr12-21814645-A-T. GRCh37 (hg19) VCF-style: chr12-21967579-A-T.
Other names: c.4101T>A, p.Asp1367Glu (NM_001377273.1, NM_005691.4); c.3234T>A, p.Asp1078Glu (NM_001377274.1); short protein forms D1078E, D1367E.
Identifiers: ClinVar variation 3001080 (VCV003001080.4), dbSNP rs376991991, ClinGen allele CA384135188.